The following is an entry in ClinVar:

ClinVar aggregate classification (germline): Uncertain significance (1 of 4 stars; one submission).

Conditions:
Inborn genetic diseases. Identifiers: MedGen C0950123, MeSH D030342.

Submission:

Ambry Genetics
Classification: Uncertain significance for Inborn genetic diseases. Last evaluated: 2025-11-09. Review status: criteria provided, single submitter. Criteria: Ambry Variant Classification Scheme 2023. Collection method: clinical testing. Allele origin: germline.
Comment: The p.D863N variant (also known as c.2587G>A), located in coding exon 13 of the ASXL1 gene, results from a G to A substitution at nucleotide position 2587. The aspartic acid at codon 863 is replaced by asparagine, an amino acid with highly similar properties. This amino acid position is conserved. In addition, this alteration is predicted to be tolerated by in silico analysis. Based on the available evidence, the clinical significance of this variant remains unclear.

NM_015338.6(ASXL1):c.2587G>A (p.Asp863Asn)

Gene: ASXL1 (ASXL transcriptional regulator 1; plus strand). Cytogenetic location: 20q11.21.
Variant type: single nucleotide variant.
Coding change: c.2587G>A on transcript NM_015338.6 (MANE Select); coding-DNA position 2587, G replaced by A.
Protein change: p.Asp863Asn; replaces aspartic acid 863 with asparagine.
Molecular consequence: missense variant.
Genome position (GRCh38, 1-based): chr20:32,435,299, G>A. VCF-style: chr20-32435299-G-A. GRCh37 (hg19) VCF-style: chr20-31023102-G-A.
Other names: c.2404G>A, p.Asp802Asn (NM_001363734.1); short protein forms D863N, D802N.
Identifiers: ClinVar variation 4588478 (VCV004588478.1).